The following is an entry in ClinVar:

ClinVar aggregate classification (germline): Benign. Review status: reviewed by expert panel (3 of 4 stars). 3 submissions from 3 submitters: Benign (1). 2 of the submissions do not count toward it. Last evaluated 2015-01-12.

Conditions:
Breast-ovarian cancer, familial, susceptibility to, 2 (BROVCA2). Also called: BRCA2 Hereditary Breast and Ovarian Cancer. Identifiers: Orphanet 145, MedGen C2675520, MONDO:0012933, OMIM 612555. Disease mechanism: loss of function.

Allele frequency attached by ClinVar (database versions not stated): 1000 Genomes Project 30x 0.97283; 1000 Genomes Project 0.97404; TOPMed 0.97588; gnomAD 0.97686 and 0.97834.
gnomAD v4.1: 148,856 of 152,118 alleles (98%); highest among the groups gnomAD compares: East Asian, 100%; 72,915 homozygotes.

Submissions (3):

Evidence-based Network for the Interpretation of Germline Mutant Alleles (ENIGMA)
Classification: Benign for Breast-ovarian cancer, familial 2. Last evaluated: 2015-01-12. Review status: reviewed by expert panel. Criteria: ENIGMA BRCA1/2 Classification Criteria (2015). Collection method: curation. Allele origin: germline.
Comment: Class 1 not pathogenic based on frequency >1% in an outbred sampleset. Frequency 0.8902 (African), derived from 1000 genomes (2012-04-30).

Breakthrough Genomics
Classification: Benign. Review status: criteria provided, single submitter. Criteria: ACMG Guidelines, 2015. Collection method: not provided. Allele origin: germline. Inheritance: Autosomal recessive inheritance. Affected: yes. Not counted in ClinVar's aggregate classification.

PreventionGenetics, part of Exact Sciences
Classification: Benign. Review status: criteria provided, single submitter. Criteria: ACMG Guidelines, 2015. Collection method: clinical testing. Allele origin: germline. Not counted in ClinVar's aggregate classification.

NM_000059.4(BRCA2):c.6938-948G>A

Gene: BRCA2 (BRCA2 DNA repair associated; plus strand). Cytogenetic location: 13q13.1.
Variant type: single nucleotide variant.
Coding change: c.6938-948G>A on transcript NM_000059.4 (MANE Select); 948 bases into the intron before coding-DNA position 6938, G replaced by A.
Molecular consequence: intron variant.
Genome position (GRCh38, 1-based): chr13:32,345,879, G>A. VCF-style: chr13-32345879-G-A. GRCh37 (hg19) VCF-style: chr13-32920016-G-A.
Other names: IVS 12-948G>A.
Identifiers: ClinVar variation 209938 (VCV000209938.3), dbSNP rs206078, ClinGen allele CA276905.